The following is an entry in ClinVar:

ClinVar aggregate classification (germline): Benign/Likely benign. Review status: criteria provided, multiple submitters, no conflicts (2 of 4 stars). 4 submissions from 4 submitters: Benign (1); Likely benign (3). Last evaluated 2026-07-13.

Conditions:
Hereditary cancer-predisposing syndrome. Also called: Hereditary neoplastic syndrome; Neoplastic Syndromes, Hereditary; Tumor predisposition; Hereditary Cancer Syndrome. Identifiers: Orphanet 140162, MedGen C0027672, MeSH D009386, MONDO:0015356.
Rhabdoid tumor predisposition syndrome 2 (RTPS2). Identifiers: Orphanet 231108, Orphanet 69077, MedGen C2750074, MONDO:0013224, OMIM 613325.

Allele frequency attached by ClinVar (database versions not stated): gnomAD 0.00001; ExAC 0.00004; TOPMed 0.00001; gnomAD exomes 0.00002.
gnomAD v4.1: 13 of 1,613,566 alleles (0.00081%); highest among the groups gnomAD compares: Middle Eastern, 0.016%; no homozygotes.

Submissions (4):

Myriad Genetics, Inc.
Classification: Benign for Rhabdoid tumor predisposition syndrome 2. Last evaluated: 2026-07-13. Review status: criteria provided, single submitter. Criteria: Myriad Autosomal Dominant, Autosomal Recessive and X-Linked Classification Criteria (2023). Collection method: clinical testing. Allele origin: unknown.
Comment: This variant is considered benign. This variant is a silent/synonymous amino acid change and it is not expected to impact splicing.

Labcorp Genetics (formerly Invitae), Labcorp
Classification: Likely benign for Rhabdoid tumor predisposition syndrome 2. Last evaluated: 2025-10-14. Review status: criteria provided, single submitter. Criteria: Invitae Variant Classification Sherloc (09022015). Collection method: clinical testing. Allele origin: germline.

Blueprint Genetics
Classification: Likely benign. Last evaluated: 2024-07-10. Review status: criteria provided, single submitter. Criteria: ACMG Guidelines, 2015. Collection method: clinical testing. Allele origin: germline.

Ambry Genetics
Classification: Likely benign for Hereditary cancer-predisposing syndrome. Last evaluated: 2018-06-15. Review status: criteria provided, single submitter. Criteria: Ambry Variant Classification Scheme 2023. Collection method: clinical testing. Allele origin: germline.

NM_003072.5(SMARCA4):c.2577G>A (p.Thr859=)

Gene: SMARCA4 (SWI/SNF related BAF chromatin remodeling complex subunit ATPase 4; plus strand). Cytogenetic location: 19p13.2.
Variant type: single nucleotide variant.
Coding change: c.2577G>A on transcript NM_003072.5 (MANE Select); coding-DNA position 2577, G replaced by A.
Protein change: p.Thr859=; no amino-acid change (threonine 859 retained).
Molecular consequence: synonymous variant. On other transcripts: non-coding transcript variant (1).
Genome position (GRCh38, 1-based): chr19:11,019,662, G>A. VCF-style: chr19-11019662-G-A. GRCh37 (hg19) VCF-style: chr19-11130338-G-A.
Other names: c.2577G>A, p.Thr859= (NM_001128844.3, NM_001128845.2, NM_001128846.2 and 4 more transcripts).
Identifiers: ClinVar variation 697022 (VCV000697022.17), dbSNP rs768936814, ClinGen allele CA9204162.